The following is an entry in ClinVar:

NM_138813.4(ATP8B3):c.708C>T (p.Cys236=)

Gene: ATP8B3 (ATPase phospholipid transporting 8B3; minus strand). Cytogenetic location: 19p13.3.
Variant type: single nucleotide variant.
Coding change: c.708C>T on transcript NM_138813.4 (MANE Select); coding-DNA position 708, C replaced by T.
Protein change: p.Cys236=; no amino-acid change (cysteine 236 retained).
Molecular consequence: synonymous variant. On other transcripts: non-coding transcript variant (1).
Genome position (GRCh38, 1-based): chr19:1,806,139, G>A on the plus strand (C>T on the coding strand, the complement: ATP8B3 is on the minus strand). VCF-style: chr19-1806139-G-A. GRCh37 (hg19) VCF-style: chr19-1806138-G-A.
Other names: c.549C>T, p.Cys183= (NM_001178002.3).
Identifiers: ClinVar variation 2648947 (VCV002648947.24), dbSNP rs753340691, ClinGen allele CA9052151.

ClinVar aggregate classification (germline): Likely benign (1 of 4 stars; one submission).

Allele frequency attached by ClinVar (database versions not stated): ExAC 0.00005; gnomAD 0.00005; gnomAD exomes 0.00005; TOPMed 0.00006.
gnomAD v4.1: 76 of 1,600,654 alleles (0.0047%); highest among the groups gnomAD compares: Admixed American, 0.0069%; no homozygotes.

Submission:

CeGaT Center for Human Genetics Tuebingen
Classification: Likely benign. Last evaluated: 2022-06-01. Review status: criteria provided, single submitter. Criteria: CeGaT Center For Human Genetics Tuebingen Variant Classification Criteria Version 2. Collection method: clinical testing. Allele origin: germline. Affected: yes. Observed: 1 variant allele.
Comment: ATP8B3: BP4, BP7